The following is an entry in ClinVar:

ClinVar aggregate classification (germline): Uncertain significance (1 of 4 stars; one submission).

Conditions:
POLD1-related polyposis and colorectal cancer syndrome (CRCS10). Also called: Colorectal cancer, susceptibility to, 10; Colorectal cancer 10; COLORECTAL CANCER, SUSCEPTIBILITY TO, ON CHROMOSOME 19q. Identifiers: Orphanet 220460, MedGen C2675481, MONDO:0012953, OMIM 612591.

Submission:

Labcorp Genetics (formerly Invitae), Labcorp
Classification: Uncertain significance for POLD1-related polyposis and colorectal cancer syndrome. Last evaluated: 2021-10-20. Review status: criteria provided, single submitter. Criteria: Invitae Variant Classification Sherloc (09022015). Collection method: clinical testing. Allele origin: germline.
Comment: In summary, the available evidence is currently insufficient to determine the role of this variant in disease. Therefore, it has been classified as a Variant of Uncertain Significance. Algorithms developed to predict the effect of missense changes on protein structure and function are either unavailable or do not agree on the potential impact of this missense change (SIFT: "Deleterious"; PolyPhen-2: "Probably Damaging"; Align-GVGD: "Class C0"). This variant has not been reported in the literature in individuals affected with POLD1-related conditions. This variant is not present in population databases (ExAC no frequency). This sequence change replaces lysine with asparagine at codon 468 of the POLD1 protein (p.Lys468Asn). The lysine residue is highly conserved and there is a moderate physicochemical difference between lysine and asparagine.

NM_002691.4(POLD1):c.1404G>T (p.Lys468Asn)

Gene: POLD1 (DNA polymerase delta 1, catalytic subunit; plus strand). Cytogenetic location: 19q13.33.
Variant type: single nucleotide variant.
Coding change: c.1404G>T on transcript NM_002691.4 (MANE Select); coding-DNA position 1404, G replaced by T.
Protein change: p.Lys468Asn; replaces lysine 468 with asparagine.
Molecular consequence: missense variant. On other transcripts: non-coding transcript variant (1).
Genome position (GRCh38, 1-based): chr19:50,406,427, G>T. VCF-style: chr19-50406427-G-T. GRCh37 (hg19) VCF-style: chr19-50909684-G-T.
Other names: c.1404G>T, p.Lys468Asn (NM_001256849.1, NM_001308632.1); short protein forms K468N.
Identifiers: ClinVar variation 1419821 (VCV001419821.6), dbSNP rs2122326348, ClinGen allele CA406980049.